The following is an entry in ClinVar:

NM_001447.3(FAT2):c.5579T>C (p.Ile1860Thr)

Genes: FAT2 (FAT atypical cadherin 2; minus strand), SLC36A1 (solute carrier family 36 member 1; plus strand). Cytogenetic location: 5q33.1.
Variant type: single nucleotide variant.
Coding change: c.5579T>C on transcript NM_001447.3 (MANE Select); coding-DNA position 5579, T replaced by C.
Protein change: p.Ile1860Thr; replaces isoleucine 1860 with threonine.
Molecular consequence: missense variant.
Genome position (GRCh38, 1-based): chr5:151,545,548, A>G on the plus strand (T>C on the coding strand, the complement: FAT2 is on the minus strand). VCF-style: chr5-151545548-A-G. GRCh37 (hg19) VCF-style: chr5-150925109-A-G.
Other names: short protein forms I1860T.
Identifiers: ClinVar variation 2997275 (VCV002997275.3), dbSNP rs966818949, ClinGen allele CA129960672.

ClinVar aggregate classification (germline): Uncertain significance (1 of 4 stars; one submission).

Allele frequency attached by ClinVar (database versions not stated): gnomAD exomes below 0.00001; TOPMed below 0.00001.
gnomAD v4.1: 1 of 1,614,176 alleles (0.000062%); highest among the groups gnomAD compares: Non-Finnish European, 0.000085%; no homozygotes.

Submission:

Labcorp Genetics (formerly Invitae), Labcorp
Classification: Uncertain significance. Last evaluated: 2023-01-12. Review status: criteria provided, single submitter. Criteria: Invitae Variant Classification Sherloc (09022015). Collection method: clinical testing. Allele origin: germline.
Comment: This sequence change replaces isoleucine, which is neutral and non-polar, with threonine, which is neutral and polar, at codon 1860 of the FAT2 protein (p.Ile1860Thr). This variant is not present in population databases (gnomAD no frequency). This variant has not been reported in the literature in individuals affected with FAT2-related conditions. Algorithms developed to predict the effect of missense changes on protein structure and function (SIFT, PolyPhen-2, Align-GVGD) all suggest that this variant is likely to be disruptive. In summary, the available evidence is currently insufficient to determine the role of this variant in disease. Therefore, it has been classified as a Variant of Uncertain Significance.